The following is an entry in ClinVar:

NM_000368.5(TSC1):c.2976-19C>T

Gene: TSC1 (TSC complex subunit 1; minus strand). Cytogenetic location: 9q34.13.
Variant type: single nucleotide variant.
Coding change: c.2976-19C>T on transcript NM_000368.5 (MANE Select); 19 bases into the intron before coding-DNA position 2976, C replaced by T.
Molecular consequence: intron variant.
Genome position (GRCh38, 1-based): chr9:132,896,773, G>A on the plus strand (C>T on the coding strand, the complement: TSC1 is on the minus strand). VCF-style: chr9-132896773-G-A. GRCh37 (hg19) VCF-style: chr9-135772160-G-A.
Other names: c.2820-19C>T (NM_001406612.1, NM_001406611.1); c.2823-19C>T (NM_001406610.1, NM_001162427.2); c.2022-19C>T (NM_001406627.1, NM_001406628.1); c.2613-19C>T (NM_001406617.1, NM_001406618.1, NM_001406619.1 and 4 more transcripts); c.2778-19C>T (NM_001406613.1); c.2610-19C>T (NM_001406620.1, NM_001406621.1, NM_001406622.1 and 1 more transcripts); c.2568-19C>T (NM_001406625.1); c.2973-19C>T (NM_001406600.1, NM_001406598.1, NM_001162426.2 and 2 more transcripts); and 8 more.
Identifiers: ClinVar variation 4071221 (VCV004071221.1).

ClinVar aggregate classification (germline): Likely benign (1 of 4 stars; one submission).

Conditions:
Tuberous sclerosis 1 (TSC1). Identifiers: Orphanet 805, MedGen C1854465, MONDO:0008612, OMIM 191100.

gnomAD v4.1: 1 of 1,613,388 alleles (0.000062%); highest among the groups gnomAD compares: Non-Finnish European, 0.000085%; no homozygotes.

Submission:

Myriad Genetics, Inc.
Classification: Likely benign for Tuberous sclerosis 1. Last evaluated: 2025-04-29. Review status: criteria provided, single submitter. Criteria: Myriad Autosomal Dominant, Autosomal Recessive and X-Linked Classification Criteria (2023). Collection method: clinical testing. Allele origin: unknown.
Comment: This variant is considered likely benign. This variant is intronic and is not expected to impact mRNA splicing.